The following is an entry in ClinVar:

ClinVar aggregate classification (germline): Uncertain significance. Review status: criteria provided, multiple submitters, no conflicts (2 of 4 stars). 3 submissions from 3 submitters: Uncertain significance (3). Last evaluated 2025-02-10.

Conditions:
Inborn genetic diseases. Identifiers: MedGen C0950123, MeSH D030342.
Myopathy, proximal, and ophthalmoplegia (CMYO6). Also called: CONGENITAL MYOPATHY 6 WITH OPHTHALMOPLEGIA; MYOPATHY WITH CONGENITAL JOINT CONTRACTURES, OPHTHALMOPLEGIA, AND RIMMED VACUOLES; INCLUSION BODY MYOPATHY 3, AUTOSOMAL DOMINANT. Identifiers: Orphanet 363677, Orphanet 79091, MedGen C1854106, MONDO:0011577, OMIM 605637.

gnomAD v4.1: 3 of 1,614,188 alleles (0.00019%); highest among the groups gnomAD compares: Middle Eastern, 0.016%; no homozygotes.

Submissions (3):

Labcorp Genetics (formerly Invitae), Labcorp
Classification: Uncertain significance for Myopathy, proximal, and ophthalmoplegia. Last evaluated: 2025-02-10. Review status: criteria provided, single submitter. Criteria: Invitae Variant Classification Sherloc (09022015). Collection method: clinical testing. Allele origin: germline.
Comment: This sequence change replaces leucine, which is neutral and non-polar, with phenylalanine, which is neutral and non-polar, at codon 895 of the MYH2 protein (p.Leu895Phe). This variant is not present in population databases (gnomAD no frequency). This variant has not been reported in the literature in individuals affected with MYH2-related conditions. Invitae Evidence Modeling of protein sequence and biophysical properties (such as structural, functional, and spatial information, amino acid conservation, physicochemical variation, residue mobility, and thermodynamic stability) indicates that this missense variant is expected to disrupt MYH2 protein function with a positive predictive value of 80%. In summary, the available evidence is currently insufficient to determine the role of this variant in disease. Therefore, it has been classified as a Variant of Uncertain Significance.

Ambry Genetics
Classification: Uncertain significance for Inborn genetic diseases. Last evaluated: 2025-01-23. Review status: criteria provided, single submitter. Criteria: Ambry Variant Classification Scheme 2023. Collection method: clinical testing. Allele origin: germline.

Revvity Omics, Revvity
Classification: Uncertain significance for Myopathy, proximal, and ophthalmoplegia. Last evaluated: 2024-05-23. Review status: criteria provided, single submitter. Criteria: ACMG Guidelines, 2015. Collection method: clinical testing. Allele origin: germline.

NM_017534.6(MYH2):c.2683C>T (p.Leu895Phe)

Genes: MYH2 (myosin heavy chain 2; minus strand), MYHAS (myosin heavy chain gene cluster antisense RNA; plus strand). Cytogenetic location: 17p13.1.
Variant type: single nucleotide variant.
Coding change: c.2683C>T on transcript NM_017534.6 (MANE Select); coding-DNA position 2683, C replaced by T.
Protein change: p.Leu895Phe; replaces leucine 895 with phenylalanine.
Molecular consequence: missense variant.
Genome position (GRCh38, 1-based): chr17:10,531,647, G>A on the plus strand (C>T on the coding strand, the complement: MYH2 is on the minus strand). VCF-style: chr17-10531647-G-A. GRCh37 (hg19) VCF-style: chr17-10434964-G-A.
Other names: c.2683C>T, p.Leu895Phe (NM_001100112.2); short protein forms L895F.
Identifiers: ClinVar variation 3876382 (VCV003876382.3).